The following is an entry in ClinVar:

ClinVar aggregate classification (germline): Uncertain significance (1 of 4 stars; one submission).

gnomAD v4.1: 1 of 1,614,220 alleles (0.000062%); highest among the groups gnomAD compares: South Asian, 0.0011%; no homozygotes.

Submission:

Ambry Genetics
Classification: Uncertain significance. Last evaluated: 2022-08-31. Review status: criteria provided, single submitter. Criteria: Ambry Variant Classification Scheme 2023. Collection method: clinical testing. Allele origin: germline.
Comment: The p.I483V variant (also known as c.1447A>G), located in coding exon 13 of the NPAT gene, results from an A to G substitution at nucleotide position 1447. The isoleucine at codon 483 is replaced by valine, an amino acid with highly similar properties. This amino acid position is conserved. In addition, this alteration is predicted to be tolerated by in silico analysis. Since supporting evidence is limited at this time, the clinical significance of this alteration remains unclear.

NM_002519.3(NPAT):c.1447A>G (p.Ile483Val)

Gene: NPAT (nuclear protein, coactivator of histone transcription; minus strand). Cytogenetic location: 11q22.3.
Variant type: single nucleotide variant.
Coding change: c.1447A>G on transcript NM_002519.3 (MANE Select); coding-DNA position 1447, A replaced by G.
Protein change: p.Ile483Val; replaces isoleucine 483 with valine.
Molecular consequence: missense variant.
Genome position (GRCh38, 1-based): chr11:108,173,537, T>C on the plus strand (A>G on the coding strand, the complement: NPAT is on the minus strand). VCF-style: chr11-108173537-T-C. GRCh37 (hg19) VCF-style: chr11-108044264-T-C.
Other names: c.1447A>G, p.Ile483Val (NM_001321307.1); short protein forms I483V.
Identifiers: ClinVar variation 1772815 (VCV001772815.2), dbSNP rs968207, ClinGen allele CA382515200.
Genomic context (GRCh38, chr11:108,173,537, plus strand): 5'-CAGGCTGTAACTGAGATTCACTCGGTACATTTGAAGACAAAGAGTTCTTTTCAATCCCTA[T>C]AGCCATTTCAGTTTCAGTGGACATCTGATTGGTGTATAATTCAGCACAATGTGGATTACA-3'
Protein context (NP_002510.2, residues 473-493): NQMSTETEMA[Ile483Val]GIEKNSLSSN